The following is an entry in ClinVar:

ClinVar aggregate classification (germline): Likely pathogenic (1 of 4 stars; one submission).

Conditions:
Retinoblastoma (RB1). Also called: RETINOBLASTOMA, SOMATIC. Identifiers: Orphanet 790, MedGen C0035335, MeSH D012175, MONDO:0008380, OMIM 180200, HP:0009919. Disease mechanism: loss of function. Inheritance: Both sporadic and heritable forms are tested..

Submission:

Genetic Diagnostic Laboratory, University of Pennsylvania School of Medicine
Classification: Likely pathogenic for Retinoblastoma. Last evaluated: 2024-05-20. Review status: criteria provided, single submitter. Criteria: ACMG Guidelines, 2015. Collection method: clinical testing. Allele origin: germline. Affected: yes. Observed: 1 variant allele.
Comment: Case and Pedigree Information: BILATERAL CASES:0, UNILATERAL CASES:1, TOTAL CASES:1, PEDIGREES:1. ACMG Codes Applied:PM1, PM2, PS4SUP, PP3

NM_000321.3(RB1):c.1970T>C (p.Leu657Pro)

Gene: RB1 (RB transcriptional corepressor 1; plus strand). Cytogenetic location: 13q14.2.
Variant type: single nucleotide variant.
Coding change: c.1970T>C on transcript NM_000321.3 (MANE Select); coding-DNA position 1970, T replaced by C.
Protein change: p.Leu657Pro; replaces leucine 657 with proline.
Molecular consequence: missense variant.
Genome position (GRCh38, 1-based): chr13:48,459,697, T>C. VCF-style: chr13-48459697-T-C. GRCh37 (hg19) VCF-style: chr13-49033833-T-C.
Other names: c.1970T>C, p.Leu657Pro (NM_001407165.1); short protein forms L657P.
Identifiers: ClinVar variation 3237051 (VCV003237051.1), dbSNP rs562956970.
Genomic context (GRCh38, chr13:48,459,697, plus strand): 5'-TTGTAATTCAAAATGAACAGTAAAAATGACTAATTTTTCTTATTCCCACAGTGTATCGGC[T>C]AGCCTATCTCCGGCTAAATACACTTTGTGAACGCCTTCTGTCTGAGCACCCAGAATTAGA-3'
Protein context (NP_000312.2, residues 647-667): LSLFYKKVYR[Leu657Pro]AYLRLNTLCE